The following is an entry in ClinVar:

NM_001323289.2(CDKL5):c.863C>G (p.Thr288Arg)

Gene: CDKL5 (cyclin dependent kinase like 5; plus strand). Cytogenetic location: Xp22.13.
Variant type: single nucleotide variant.
Coding change: c.863C>G on transcript NM_001323289.2 (MANE Select); coding-DNA position 863, C replaced by G.
Protein change: p.Thr288Arg; replaces threonine 288 with arginine.
Molecular consequence: missense variant.
Genome position (GRCh38, 1-based): chrX:18,598,499, C>G. VCF-style: chrX-18598499-C-G. GRCh37 (hg19) VCF-style: chrX-18616619-C-G.
Other names: NM_001323289.2(CDKL5):c.863C>G; p.Thr288Arg; c.863C>G, p.Thr288Arg (NM_001037343.2, NM_003159.3); short protein forms T288R.
Identifiers: ClinVar variation 1879751 (VCV001879751.33), dbSNP rs267606713, ClinGen allele CA412355847.

ClinVar aggregate classification (germline): Likely pathogenic. Review status: reviewed by expert panel (3 of 4 stars). 4 submissions from 4 submitters: Likely pathogenic (1). 3 of the submissions do not count toward it. Last evaluated 2025-10-28.

Conditions:
CDKL5 disorder. Identifiers: MedGen CN296942, MONDO:0100039.
Developmental and epileptic encephalopathy, 2 (DEE2). Also called: CDKL5 deficiency disorder; INFANTILE SPASM SYNDROME, X-LINKED 2. Identifiers: Orphanet 1934, Orphanet 3451, Orphanet 505652, MedGen C4750718, MONDO:0010396, OMIM 300672.
Angelman syndrome-like. Identifiers: MedGen CN128785.

Submissions (4):

ClinGen Rett and Angelman-like Disorders Variant Curation Expert Panel
Classification: Likely pathogenic for CDKL5 disorder. Last evaluated: 2025-10-28. Review status: reviewed by expert panel. Criteria: ClinGen RettAS ACMG Specifications CDKL5 V5.0.0. Collection method: curation. Allele origin: germline. Inheritance: X-linked inheritance.
Comment: The p.Thr288Arg variant has been observed in at least 1 other individual with features of CDKL5 disorder (internal database - LabCorp (formerly Invitae)) (PS4_Supporting). The p.Thr288Arg variant in CDKL5 is absent from gnomAD v4.1 (PM2_Supporting). Computational prediction analysis tools suggests a deleterious impact; however, this information does not predict clinical significance on its own (PP3). In summary, the p.Thr288Arg variant in CDKL5 is classified as Likely Pathogenic for CDKL5 disorder based on the ACMG/AMP criteria (PS2, PS4_Supporting, PM2_Supporting, PP3). (CDKL5 Specifications v5.0; curation approved on 10/28/2025)

Laboratorio de Genetica e Diagnostico Molecular, Hospital Israelita Albert Einstein
Classification: Uncertain significance for Developmental and epileptic encephalopathy, 2. Last evaluated: 2025-08-26. Review status: criteria provided, single submitter. Criteria: ACMG Guidelines, 2015. Collection method: clinical testing. Allele origin: germline. Affected: yes. Not counted in ClinVar's aggregate classification.
Comment: ACMG classification criteria: PM2 supporting, PP3 supporting

Labcorp Genetics (formerly Invitae), Labcorp
Classification: Uncertain significance for Developmental and epileptic encephalopathy, 2; Angelman syndrome-like. Last evaluated: 2025-06-12. Review status: criteria provided, single submitter. Criteria: Invitae Variant Classification Sherloc (09022015). Collection method: clinical testing. Allele origin: germline. Not counted in ClinVar's aggregate classification.
Comment: This sequence change replaces threonine, which is neutral and polar, with arginine, which is basic and polar, at codon 288 of the CDKL5 protein (p.Thr288Arg). This variant is not present in population databases (gnomAD no frequency). This missense change has been observed in individual(s) with epileptic encephalopathy (internal data). ClinVar contains an entry for this variant (Variation ID: 1879751). Invitae Evidence Modeling of protein sequence and biophysical properties (such as structural, functional, and spatial information, amino acid conservation, physicochemical variation, residue mobility, and thermodynamic stability) indicates that this missense variant is expected to disrupt CDKL5 protein function with a positive predictive value of 95%. This variant disrupts the p.Thr288 amino acid residue in CDKL5. Other variant(s) that disrupt this residue have been observed in individuals with CDKL5-related conditions (PMID: 18809835; internal data), which suggests that this may be a clinically significant amino acid residue. In summary, the available evidence is currently insufficient to determine the role of this variant in disease. Therefore, it has been classified as a Variant of Uncertain Significance.

CeGaT Center for Human Genetics Tuebingen
Classification: Likely pathogenic. Last evaluated: 2024-04-01. Review status: criteria provided, single submitter. Criteria: CeGaT Center For Human Genetics Tuebingen Variant Classification Criteria Version 2. Collection method: clinical testing. Allele origin: germline. Affected: yes. Observed: 1 variant allele. Not counted in ClinVar's aggregate classification.
Comment: CDKL5: PM2, PM5, PS2:Moderate

Literature cited by the submitters: PubMed 18809835 (cited by Labcorp Genetics (formerly Invitae), Labcorp).